The following is an entry in ClinVar:

ClinVar aggregate classification (germline): Uncertain significance (1 of 4 stars; one submission).

Conditions:
Atelosteogenesis type III. Also called: Atelosteogenesis Type 3 (FLNB-AO3). Identifiers: Orphanet 56305, MedGen C3668942, MONDO:0007168, OMIM 108721.
Atelosteogenesis type I. Also called: Atelosteogenesis Type 1 (FLNB-AO1); SPONDYLOHUMEROFEMORAL HYPOPLASIA; GIANT CELL CHONDRODYSPLASIA. Identifiers: Orphanet 1190, MedGen C0265283, MONDO:0007167, OMIM 108720.
Boomerang dysplasia. Identifiers: Orphanet 1263, MedGen C0432201, MONDO:0007208, OMIM 112310.
Spondylocarpotarsal synostosis syndrome (SCT). Also called: Spondylocarpotarsal Synostosis Syndrome (FLNB-SCT); SPONDYLOCARPOTARSAL SYNDROME; VERTEBRAL FUSION WITH CARPAL COALITION; Synspondylism congenital; Scoliosis, congenital with unilateral unsegmented bar. Identifiers: Orphanet 3275, MedGen C1848934, MONDO:0010094, OMIM 272460.
Larsen syndrome (LRS). Also called: Larsen syndrome (FLNB-LS); Bilateral dislocation of the knees, pes cavus, cylindrically shaped fingers and characteristic facies. Identifiers: Orphanet 503, MedGen C0175778, MONDO:0007875, OMIM 150250. Disease mechanism: loss of function.

gnomAD v4.1: 1 of 1,613,818 alleles (0.000062%); highest among the groups gnomAD compares: East Asian, 0.0022%; no homozygotes.

Submission:

Juno Genomics, Hangzhou Juno Genomics, Inc
Classification: Uncertain significance for Spondylocarpotarsal synostosis syndrome; Atelosteogenesis type I; Atelosteogenesis type III; Boomerang dysplasia; Larsen syndrome. Review status: criteria provided, single submitter. Criteria: ACMG Guidelines, 2015. Collection method: clinical testing. Allele origin: germline.
Comment: Absent from controls (or at extremely low frequency if recessive) in Genome Aggregation Database.;Multiple lines of computational evidence support a deleterious effect on the gene or gene product.;Missense variant in a gene that has a low rate of benign missense variation.

NM_001457.4(FLNB):c.3238C>T (p.Pro1080Ser)

Gene: FLNB (filamin B; plus strand). Cytogenetic location: 3p14.3.
Variant type: single nucleotide variant.
Coding change: c.3238C>T on transcript NM_001457.4 (MANE Select); coding-DNA position 3238, C replaced by T.
Protein change: p.Pro1080Ser; replaces proline 1080 with serine.
Molecular consequence: missense variant.
Genome position (GRCh38, 1-based): chr3:58,123,204, C>T. VCF-style: chr3-58123204-C-T. GRCh37 (hg19) VCF-style: chr3-58108931-C-T.
Other names: c.3238C>T, p.Pro1080Ser (NM_001164317.2, NM_001164318.2, NM_001164319.2); short protein forms P1080S.
Identifiers: ClinVar variation 5019930 (VCV005019930.2).
Genomic context (GRCh38, chr3:58,123,204, plus strand): 5'-GAGTTCACCATCGATACCAAAGGAGCTGGTACTGGAGGTCTGGGCTTAACGGTGGAAGGT[C>T]CGTGCGAGGCCAAAATCGAGTGCTCCGACAATGGTGATGGGACCTGCTCCGTCTCTTACC-3'
Protein context (NP_001448.2, residues 1070-1090): TGGLGLTVEG[Pro1080Ser]CEAKIECSDN